The following is an entry in ClinVar:

ClinVar aggregate classification (germline): Uncertain significance. Review status: criteria provided, multiple submitters, no conflicts (2 of 4 stars). 3 submissions from 3 submitters: Uncertain significance (2). 1 of the submissions does not count toward it. Last evaluated 2022-08-23.

Conditions:
Bardet-Biedl syndrome (BBS). Identifiers: Orphanet 110, MedGen C0752166, MONDO:0015229.
Bardet-Biedl syndrome 7 (BBS7). Identifiers: Orphanet 110, MedGen C1859565, MONDO:0014435, OMIM 615984.
BBS7-related disorder. Also called: BBS7-related condition.

Submissions (3):

Labcorp Genetics (formerly Invitae), Labcorp
Classification: Uncertain significance for Bardet-Biedl syndrome. Last evaluated: 2022-08-23. Review status: criteria provided, single submitter. Criteria: Invitae Variant Classification Sherloc (09022015). Collection method: clinical testing. Allele origin: germline.
Comment: This sequence change affects codon 200 of the BBS7 mRNA. It is a 'silent' change, meaning that it does not change the encoded amino acid sequence of the BBS7 protein. It affects a nucleotide within the consensus splice site. This variant is present in population databases (rs370053625, gnomAD 0.01%). This variant has not been reported in the literature in individuals affected with BBS7-related conditions. ClinVar contains an entry for this variant (Variation ID: 1051889). Algorithms developed to predict the effect of sequence changes on RNA splicing suggest that this variant may disrupt the consensus splice site. In summary, the available evidence is currently insufficient to determine the role of this variant in disease. Therefore, it has been classified as a Variant of Uncertain Significance.

Fulgent Genetics
Classification: Uncertain significance for Bardet-Biedl syndrome 7. Last evaluated: 2022-03-02. Review status: criteria provided, single submitter. Criteria: ACMG Guidelines, 2015. Collection method: clinical testing. Allele origin: unknown.

PreventionGenetics, part of Exact Sciences
Classification: Likely benign for BBS7-related condition. Last evaluated: 2024-06-02. Review status: no assertion criteria provided. Collection method: clinical testing. Allele origin: germline. Not counted in ClinVar's aggregate classification.
Comment: This variant is classified as likely benign based on ACMG/AMP sequence variant interpretation guidelines (Richards et al. 2015 PMID: 25741868, with internal and published modifications).

NM_176824.3(BBS7):c.600C>A (p.Gly200=)

Gene: BBS7 (Bardet-Biedl syndrome 7; minus strand). Cytogenetic location: 4q27.
Variant type: single nucleotide variant.
Coding change: c.600C>A on transcript NM_176824.3 (MANE Select); coding-DNA position 600, C replaced by A.
Protein change: p.Gly200=; no amino-acid change (glycine 200 retained).
Molecular consequence: synonymous variant.
Genome position (GRCh38, 1-based): chr4:121,855,490, G>T on the plus strand (C>A on the coding strand, the complement: BBS7 is on the minus strand). VCF-style: chr4-121855490-G-T. GRCh37 (hg19) VCF-style: chr4-122776645-G-T.
Other names: c.600C>A, p.Gly200= (NM_018190.4); c.600C>A (NM_176824.2).
Identifiers: ClinVar variation 1051889 (VCV001051889.4), dbSNP rs370053625, ClinGen allele CA3064470.